The following continues an entry in ClinVar:

NM_000142.5(FGFR3):c.1620C>A (p.Asn540Lys)

Gene: FGFR3. ClinVar aggregate classification (germline): Pathogenic. Pathogenic (33).

Submissions 22 to 43 of 43:

Kasturba Medical College, Manipal, Kasturba Medical College, Manipal, Manipal Academy of Higher Education, Manipal, India
Classification: Pathogenic for Hypochondroplasia. Last evaluated: 2022-05-09. Review status: criteria provided, single submitter. Criteria: ACMG Guidelines, 2015. Collection method: clinical testing. Allele origin: germline. Affected: yes. Observed: 2 variant alleles.

GeneDx
Classification: Pathogenic. Last evaluated: 2022-03-10. Review status: criteria provided, single submitter. Criteria: GeneDx Variant Classification Process June 2021. Collection method: clinical testing. Allele origin: germline. Affected: yes.
Comment: Published functional studies demonstrate this variant results in significantly reduced expression patterns and reduced STAT1 phosphorylation (Raffioni et al., 1998; Krejci et al., 2008); In silico analysis supports that this missense variant has a deleterious effect on protein structure/function; Not observed at significant frequency in large population cohorts (gnomAD); This variant is associated with the following publications: (PMID: 22045636, 19088846, 23165795, 19449430, 23614116, 16575888, 9452043, 9857065, 25614871, 10360393, 24630288, 23573386, 24715719, 25505998, 16222682, 16020314, 8589686, 30335613, 30138938, 29620724, 30355600, 31130284, 33942288, 30755392, 32964447, 20301650, 34006472, 33726816, 7670477)

Revvity Omics, Revvity
Classification: Pathogenic. Last evaluated: 2022-02-01. Review status: criteria provided, single submitter. Criteria: ACMG Guidelines, 2015. Collection method: clinical testing. Allele origin: germline.

Dasa
Classification: Pathogenic for Achondroplasia. Last evaluated: 2022-01-05. Review status: criteria provided, single submitter. Criteria: ACMG Guidelines, 2015. Collection method: clinical testing. Allele origin: germline. Affected: yes. Observed: 1 variant allele.
Comment: The c.1620C>A;p.(Asn540Lys) missense variant has been observed in affected individual(s) and ClinVar contains an entry for this variant (Clinvar ID: 16337; PMID: 23573386; 7670477; 8589686; 25614871) - PS4. Well-established in vitro or in vivo functional studies support a damaging effect on the gene or gene product (PMID: 11055896) - PS3_supporting.Same amino acid change as a previously established pathogenic variant regardless of nucleotide change(ClinVar: 16338; PMID 23165795; 25614871) - PS1. This variant is not present in population databases (rs28933068, gnomAD; ABraOM no frequency) - PM2. Pathogenic missense variant in this residue have been reported (Clinvar ID: 16349; 16344) - PM5. Multiple lines of computational evidence support a deleterious effect on the gene or gene product - PP3. In summary, the currently available evidence indicates that the variant is pathogenic.

Laboratorio de Genetica e Diagnostico Molecular, Hospital Israelita Albert Einstein
Classification: Pathogenic for Hypochondroplasia. Last evaluated: 2021-12-03. Review status: criteria provided, single submitter. Criteria: ACMG Guidelines, 2015. Collection method: clinical testing. Allele origin: germline. Affected: yes.
Comment: ACMG classification criteria: PS1 strong, PS3 supporting, PS4 strong, PM2 moderate

Medical Genetics Center, Maternal and Child Health Hospital of Hubei Province
Classification: Pathogenic for Achondroplasia. Last evaluated: 2021-05-21. Review status: criteria provided, single submitter. Criteria: ACMG Guidelines, 2015. Collection method: clinical testing. Allele origin: de novo. Affected: yes.

Eurofins Ntd Llc (ga)
Classification: Pathogenic. Last evaluated: 2018-06-02. Review status: criteria provided, single submitter. Criteria: EGL ClinVar v180209 classification definitions. Collection method: clinical testing. Allele origin: germline. Observed: 6 variant alleles, 6 heterozygotes.

CeGaT Center for Human Genetics Tuebingen
Classification: Pathogenic. Last evaluated: 2018-04-01. Review status: criteria provided, single submitter. Criteria: CeGaT Center For Human Genetics Tuebingen Variant Classification Criteria Version 2. Collection method: clinical testing. Allele origin: germline. Affected: yes. Observed: 2 variant alleles.

Clinical Genetics and Genomics, Karolinska University Hospital
Classification: Pathogenic. Last evaluated: 2017-08-02. Review status: criteria provided, single submitter. Criteria: ACMG Guidelines, 2015. Collection method: clinical testing. Allele origin: germline. Affected: yes. Observed: 3 variant alleles.

Centre de Biologie Pathologie Génétique, Centre Hospitalier Universitaire de Lille
Classification: Pathogenic for Neurodevelopmental delay. Review status: criteria provided, single submitter. Criteria: ACMG Guidelines, 2015. Collection method: clinical testing. Allele origin: de novo. Affected: yes.

Clinical Biomedical Laboratory, Shriners Hospital For Children - Canada
Classification: Pathogenic for Hypochondroplasia. Review status: criteria provided, single submitter. Criteria: ACMG Guidelines, 2015. Collection method: clinical testing. Allele origin: germline. Affected: yes.
Comment: This variant is predicted to substitute an asparagine residue by a lysine residue in FGFR3. This variant is absent in the Genome Aggregation Database (gnomAD v2.1.1), indicating it is very rare. Computational tools (REVEL: 0.693) suggest that the amino acid change is deleterious to protein function. The gene is associated with hypochondroplasia, which corresponds to the clinical diagnosis of the proband. This variant has been reported as a cause of hypochondroplasia in multiple publications (e.g. PMID 25614871). Based on the ACMG variant interpretation guidelines (criteria: PS1, PS3, PM2, PM5, PP3, PP4), the available evidence supports classification of this variant as pathogenic.

Juno Genomics, Hangzhou Juno Genomics, Inc
Classification: Pathogenic for Hypochondroplasia. Review status: criteria provided, single submitter. Criteria: ACMG Guidelines, 2015. Collection method: clinical testing. Allele origin: germline. Affected: yes.
Comment: Absent from controls (or at extremely low frequency if recessive) in Genome Aggregation Database.;Well-established in vitro or in vivo functional studies supportive of a damaging effect on the gene or gene product.;The prevalence of the variant in affected individuals is significantly increased compared to the prevalence in controls.;Assumed de novo, but without confirmation of paternity and maternity.;Co-segregation with disease in multiple affected family members.;Patient's phenotype or family history is highly specific for a disease with a single genetic etiology.

Clinical Laboratory Sciences Program (CLSP), King Saud bin Abdulaziz University for Health Sciences (KSAU-HS)
Classification: Pathogenic for Achondroplasia. Last evaluated: 2023-04-01. Review status: no assertion criteria provided. Collection method: clinical testing. Allele origin: germline. Affected: yes. Not counted in ClinVar's aggregate classification.

Beijing Key Laboratory for Genetic Research of Skeletal Deformity, Peking Union Medical College Hospital
Classification: Pathogenic for Hypochondroplasia. Last evaluated: 2019-05-31. Review status: no assertion criteria provided. Collection method: research. Allele origin: de novo. Affected: yes. Not counted in ClinVar's aggregate classification.

Bioscientia Institut fuer Medizinische Diagnostik GmbH, Sonic Healthcare
Classification: Pathogenic for Hypochondroplasia. Last evaluated: 2018-06-18. Review status: no assertion criteria provided. Collection method: clinical testing. Allele origin: germline. Affected: yes. Not counted in ClinVar's aggregate classification.

Clinical Molecular Genetics Laboratory, Johns Hopkins All Children's Hospital
Classification: Pathogenic for Hypochondroplasia. Last evaluated: 2015-07-21. Review status: no assertion criteria provided. Collection method: clinical testing. Allele origin: germline. Affected: yes. Not counted in ClinVar's aggregate classification.

Clinical Molecular Genetics Laboratory, Johns Hopkins All Children's Hospital
Classification: Pathogenic for Achondroplasia. Last evaluated: 2015-07-21. Review status: no assertion criteria provided. Collection method: clinical testing. Allele origin: germline. Affected: yes. Not counted in ClinVar's aggregate classification.

OMIM
Classification: Pathogenic for HYPOCHONDROPLASIA. Last evaluated: 1999-06-11. Review status: no assertion criteria provided. Collection method: literature only. Allele origin: germline. Not counted in ClinVar's aggregate classification.

Clinical Genetics DNA and cytogenetics Diagnostics Lab, Erasmus MC, Erasmus Medical Center
Classification: Pathogenic. Review status: no assertion criteria provided. Collection method: clinical testing. Allele origin: germline. Affected: yes. Study: VKGL Data-share Consensus. Not counted in ClinVar's aggregate classification.

GeneReviews
No classification provided. Condition: Hypochondroplasia. Review status: no classification provided. Collection method: literature only. Allele origin: germline. Not counted in ClinVar's aggregate classification.
Comment: Most common pathogenic variant in hypochondroplasia

Joint Genome Diagnostic Labs from Nijmegen and Maastricht, Radboudumc and MUMC+
Classification: Pathogenic. Review status: no assertion criteria provided. Collection method: clinical testing. Allele origin: germline. Affected: yes. Study: VKGL Data-share Consensus. Not counted in ClinVar's aggregate classification.

Laboratory of Diagnostic Genome Analysis, Leiden University Medical Center (LUMC)
Classification: Pathogenic. Review status: no assertion criteria provided. Collection method: clinical testing. Allele origin: germline. Affected: yes. Study: VKGL Data-share Consensus. Not counted in ClinVar's aggregate classification.

Literature cited by the submitters: PubMed 40178985 (cited by Genomenon, Inc); PubMed 38437671 (cited by Genomenon, Inc); PubMed 38411226 (cited by Genomenon, Inc); PubMed 37377403 (cited by Genomenon, Inc); PubMed 37345656 (cited by 3 submitters); PubMed 11827956 (cited by Genomenon, Inc); PubMed 22558232 (cited by Genomenon, Inc); PubMed 33368972 (cited by Genomenon, Inc); PubMed 26992226 (cited by Genomenon, Inc); PubMed 19088846 (cited by Genomenon, Inc and Ambry Genetics); PubMed 41594288 (cited by Genomenon, Inc); PubMed 40832109 (cited by Genomenon, Inc); PubMed 38933926 (cited by Genomenon, Inc and Ambry Genetics); PubMed 38813446 (cited by Genomenon, Inc); PubMed 38461804 (cited by Genomenon, Inc); PubMed 37880672 (cited by Genomenon, Inc); PubMed 37846159 (cited by Genomenon, Inc); PubMed 37829280 (cited by Genomenon, Inc); PubMed 37789665 (cited by Genomenon, Inc); PubMed 36923788 (cited by Genomenon, Inc and Variantyx, Inc.); PubMed 36922864 (cited by Genomenon, Inc); PubMed 36859260 (cited by Genomenon, Inc); PubMed 36592150 (cited by Genomenon, Inc); PubMed 36360300 (cited by Genomenon, Inc); PubMed 36310088 (cited by Genomenon, Inc); PubMed 35726512 (cited by Genomenon, Inc); PubMed 35253369 (cited by Genomenon, Inc); PubMed 34740356 (cited by Genomenon, Inc); PubMed 34644002 (cited by Genomenon, Inc); PubMed 34567078 (cited by Genomenon, Inc); PubMed 34133497 (cited by Genomenon, Inc); PubMed 33942288 (cited by Genomenon, Inc); PubMed 33389251 (cited by Genomenon, Inc); PubMed 33220165 (cited by Genomenon, Inc); PubMed 33051983 (cited by Genomenon, Inc); PubMed 32964447 (cited by Genomenon, Inc); PubMed 27493482 (cited by Genomenon, Inc); PubMed 29907962 (cited by Genomenon, Inc); PubMed 26402641 (cited by Genomenon, Inc); PubMed 29681095 (cited by Genomenon, Inc); PubMed 29593476 (cited by Genomenon, Inc); PubMed 29150894 (cited by Genomenon, Inc); PubMed 10361991 (cited by Genomenon, Inc).